The following is an entry in ClinVar:

ClinVar aggregate classification (germline): Conflicting classifications of pathogenicity. Review status: criteria provided, conflicting classifications (1 of 4 stars). 3 submissions from 3 submitters: Likely pathogenic (2); Uncertain significance (1). Last evaluated 2025-09-05.

Conditions:
RYR1-related disorder. Also called: RYR1-related disorders; RYR1-related condition. Identifiers: MedGen CN239331.
Malignant hyperthermia, susceptibility to, 1 (MHS1). Also called: RYR1-Related Malignant Hyperthermia Susceptibility; Anesthesia related hyperthermia; Malignant hyperpyrexia; Fulminating hyperpyrexia; Pharmacogenic myopathy; Malignant hyperthermia suceptibility 1. Identifiers: Orphanet 423, MedGen C2930980, MONDO:0007783, OMIM 145600.

Submissions (3):

Color Diagnostics, LLC DBA Color Health
Classification: Uncertain significance for Malignant hyperthermia, susceptibility to, 1. Last evaluated: 2025-09-05. Review status: criteria provided, single submitter. Criteria: ACMG Guidelines, 2015. Collection method: clinical testing. Allele origin: germline.
Comment: This variant causes a G to T nucleotide substitution at the +1 position of intron 56 in the RYR1 protein. Splice site prediction tools suggest that this variant may have a significant impact on RNA splicing. Although this prediction has not been confirmed in published RNA studies, this variant is expected to result in an absent or disrupted protein product. This variant has not been reported in individuals affected with autosomal dominant malignant hyperthermia. This variant has not been identified in the general population by the Genome Aggregation Database (gnomAD). Loss of RYR1 gene function due to haploinsufficiency is not an established disease mechanism for autosomal dominant malignant hyperthermia susceptibility, although it is associated with other phenotype(s) (ClinVar Variation ID: 390628). Therefore, this variant is classified as a Variant of Uncertain Significance for autosomal dominant malignant hyperthermia.

GeneDx
Classification: Likely pathogenic. Last evaluated: 2024-07-09. Review status: criteria provided, single submitter. Criteria: GeneDx Variant Classification Process June 2021. Collection method: clinical testing. Allele origin: germline. Affected: yes.
Comment: Canonical splice site variant predicted to result in a null allele in a gene for which loss of function is a known mechanism of disease; Not observed at significant frequency in large population cohorts (gnomAD); Has not been previously published as pathogenic or benign to our knowledge

Labcorp Genetics (formerly Invitae), Labcorp
Classification: Likely pathogenic for RYR1-related disorder. Last evaluated: 2023-10-29. Review status: criteria provided, single submitter. Criteria: Invitae Variant Classification Sherloc (09022015). Collection method: clinical testing. Allele origin: germline.
Comment: This sequence change affects a donor splice site in intron 56 of the RYR1 gene. It is expected to disrupt RNA splicing. Variants that disrupt the donor or acceptor splice site typically lead to a loss of protein function (PMID: 16199547), and loss-of-function variants in RYR1 are known to be pathogenic (PMID: 23919265, 25960145, 28818389, 30611313). This variant is not present in population databases (gnomAD no frequency). This variant has not been reported in the literature in individuals affected with RYR1-related conditions. ClinVar contains an entry for this variant (Variation ID: 390628). Algorithms developed to predict the effect of sequence changes on RNA splicing suggest that this variant may disrupt the consensus splice site. In summary, the currently available evidence indicates that the variant is pathogenic, but additional data are needed to prove that conclusively. Therefore, this variant has been classified as Likely Pathogenic.

Literature cited by the submitters: PubMed 16199547 (cited by Labcorp Genetics (formerly Invitae), Labcorp); PubMed 23919265 (cited by Labcorp Genetics (formerly Invitae), Labcorp); PubMed 25960145 (cited by Labcorp Genetics (formerly Invitae), Labcorp); PubMed 28818389 (cited by Labcorp Genetics (formerly Invitae), Labcorp); PubMed 30611313 (cited by Labcorp Genetics (formerly Invitae), Labcorp).

NM_000540.3(RYR1):c.8692+1G>T

Gene: RYR1 (ryanodine receptor 1; plus strand). Cytogenetic location: 19q13.2.
Variant type: single nucleotide variant.
Coding change: c.8692+1G>T on transcript NM_000540.3 (MANE Select); the canonical splice donor site of the intron after coding-DNA position 8692, G replaced by T.
Molecular consequence: splice donor variant.
Genome position (GRCh38, 1-based): chr19:38,506,547, G>T. VCF-style: chr19-38506547-G-T. GRCh37 (hg19) VCF-style: chr19-38997187-G-T.
Other names: c.8692+1G>T (NM_001042723.2).
Identifiers: ClinVar variation 390628 (VCV000390628.7), dbSNP rs1057523844, ClinGen allele CA16608999.